The following is an entry in ClinVar:

ClinVar aggregate classification (germline): Uncertain significance (0 of 4 stars; one submission).

Conditions:
CAPN10-related disorder. Also called: CAPN10-related disorders; CAPN10-related condition.

Submission:

PreventionGenetics, part of Exact Sciences
Classification: Uncertain significance for CAPN10-related condition. Last evaluated: 2024-04-04. Review status: no assertion criteria provided. Collection method: clinical testing. Allele origin: germline.
Comment: The CAPN10 c.1097A>C variant is predicted to result in the amino acid substitution p.Lys366Thr. To our knowledge, this variant has not been reported in the literature or in a large population database, indicating this variant is rare. At this time, the clinical significance of this variant is uncertain due to the absence of conclusive functional and genetic evidence.

NM_023083.4(CAPN10):c.1097A>C (p.Lys366Thr)

Gene: CAPN10 (calpain 10; plus strand). Cytogenetic location: 2q37.3.
Variant type: single nucleotide variant.
Coding change: c.1097A>C on transcript NM_023083.4 (MANE Select); coding-DNA position 1097, A replaced by C.
Protein change: p.Lys366Thr; replaces lysine 366 with threonine.
Molecular consequence: missense variant.
Genome position (GRCh38, 1-based): chr2:240,595,123, A>C. VCF-style: chr2-240595123-A-C. GRCh37 (hg19) VCF-style: chr2-241534540-A-C.
Other names: c.1097A>C, p.Lys366Thr (NM_023085.4); short protein forms K366T.
Identifiers: ClinVar variation 3349120 (VCV003349120.1).
Genomic context (GRCh38, chr2:240,595,123, plus strand): 5'-GGGTCAAGGGCCAGTCAGCAGGAGGCTGCCGGAACAACAGCGGCTTTCCCAGCAACCCCA[A>C]ATTCTGGCTGCGGGTCTCAGAACCGAGTGAGGTGTACATTGCCGTCCTGCAGAGATCCAG-3'
Protein context (NP_075571.2, residues 356-376): RNNSGFPSNP[Lys366Thr]FWLRVSEPSE